The following is an entry in ClinVar:

ClinVar aggregate classification (germline): Likely pathogenic (1 of 4 stars; one submission).

Conditions:
Wiedemann-Steiner syndrome (WDSTS). Also called: Growth deficiency and mental retardation with facial dysmorphism. Identifiers: Orphanet 319182, MedGen C1854630, MONDO:0011518, OMIM 605130.

Submission:

Baylor Genetics
Classification: Likely pathogenic for Growth deficiency and mental retardation with facial dysmorphism. Last evaluated: 2013-10-11. Review status: criteria provided, single submitter. Criteria: Yang et al. 2013. Collection method: clinical testing. Allele origin: de novo. Inheritance: Autosomal dominant inheritance. Affected: yes. Observed: 1 variant allele, 1 heterozygote. Study: Adult_WES.

Literature cited by the submitters: PubMed 26633545.

NM_001197104.2(KMT2A):c.5494C>A (p.Pro1832Thr)

Gene: KMT2A (lysine methyltransferase 2A; plus strand). Cytogenetic location: 11q23.3.
Variant type: single nucleotide variant.
Coding change: c.5494C>A on transcript NM_001197104.2 (MANE Select); coding-DNA position 5494, C replaced by A.
Protein change: p.Pro1832Thr; replaces proline 1832 with threonine.
Molecular consequence: missense variant.
Genome position (GRCh38, 1-based): chr11:118,495,830, C>A. VCF-style: chr11-118495830-C-A. GRCh37 (hg19) VCF-style: chr11-118366545-C-A.
Other names: c.5485C>A, p.Pro1829Thr (NM_005933.4); short protein forms P1832T, P1829T.
Identifiers: ClinVar variation 209168 (VCV000209168.2), dbSNP rs797045051, ClinGen allele CA250368.